The following is an entry in ClinVar:

NM_000071.3(CBS):c.209+1G>A

Gene: CBS (cystathionine beta-synthase; minus strand). Cytogenetic location: 21q22.3.
Variant type: single nucleotide variant.
Coding change: c.209+1G>A on transcript NM_000071.3 (MANE Select); the canonical splice donor site of the intron after coding-DNA position 209, G replaced by A.
Molecular consequence: splice donor variant.
Genome position (GRCh38, 1-based): chr21:43,071,984, C>T on the plus strand (G>A on the coding strand, the complement: CBS is on the minus strand). VCF-style: chr21-43071984-C-T. GRCh37 (hg19) VCF-style: chr21-44492094-C-T.
Other names: c.209+1G>A (NM_001320298.2, NM_001178009.3, NM_001178008.3).
Identifiers: ClinVar variation 632738 (VCV000632738.26), dbSNP rs751464024, ClinGen allele CA321103728.

ClinVar aggregate classification (germline): Pathogenic/Likely pathogenic. Review status: criteria provided, multiple submitters, no conflicts (2 of 4 stars). 9 submissions from 9 submitters: Pathogenic (8); Likely pathogenic (1). Last evaluated 2026-01-20.

Conditions:
CBS-related disorder. Also called: CBS-related condition.
Homocystinuria. Identifiers: MedGen C0019880, MONDO:0004737, HP:0002156.
Classic homocystinuria. Also called: Homocystinuria due to CBS deficiency; Cystathionine beta-synthase deficiency; CBS deficiency; Homocystinuria due to Cystathionine Beta-Synthase Deficiency; HOMOCYSTINURIA WITH OR WITHOUT RESPONSE TO PYRIDOXINE. Identifiers: Orphanet 394, MedGen C0751202, MONDO:0009352, OMIM 236200.
HYPERHOMOCYSTEINEMIA, THROMBOTIC, CBS-RELATED. Identifiers: MedGen C3150344, OMIM 236200.

Allele frequency attached by ClinVar (database versions not stated): gnomAD exomes below 0.00001.

Submissions (9):

Labcorp Genetics (formerly Invitae), Labcorp
Classification: Pathogenic for HYPERHOMOCYSTEINEMIA, THROMBOTIC, CBS-RELATED. Last evaluated: 2026-01-20. Review status: criteria provided, single submitter. Criteria: Invitae Variant Classification Sherloc (09022015). Collection method: clinical testing. Allele origin: germline.
Comment: This sequence change affects a donor splice site in intron 3 of the CBS gene. It is expected to disrupt RNA splicing. Variants that disrupt the donor or acceptor splice site typically lead to a loss of protein function (PMID: 16199547), and loss-of-function variants in CBS are known to be pathogenic (PMID: 10338090, 12124992). This variant is present in population databases (rs751464024, gnomAD 0.0009%). Disruption of this splice site has been observed in individual(s) with homocystinuria (PMID: 10215408, 29508359). In at least one individual the data is consistent with being in trans (on the opposite chromosome) from a pathogenic variant. It has also been observed to segregate with disease in related individuals. This variant is also known as IVS3+1G>A and IVS1+1G>A. ClinVar contains an entry for this variant (Variation ID: 632738). Algorithms developed to predict the effect of sequence changes on RNA splicing suggest that this variant may disrupt the consensus splice site. For these reasons, this variant has been classified as Pathogenic.

Natera, Inc.
Classification: Pathogenic for Homocystinuria due to cystathionine beta-synthase deficiency. Last evaluated: 2025-06-30. Review status: criteria provided, single submitter. Criteria: Natera Variant Classification Schema (03/2026). Collection method: clinical testing. Allele origin: germline.
Comment: The c.209+1G>A variant in CBS is a canonical splice donor site variant predicted to affect pre-mRNA splicing, which may result in an abnormal transcript and altered protein product. This variant is expected to result in nonsense mediated decay, truncation, or a dysfunctional protein product. This variant is rare in the general population with a frequency below the threshold expected for the associated phenotype(s). This variant has been observed in one or more individuals affected with the associated recessive disease, as either homozygous or compound heterozygous with a second variant (PMID: 25218699, 12124992, 12815602). Given the available evidence, this variant is classified as Pathogenic.

GeneDx
Classification: Pathogenic. Last evaluated: 2023-03-31. Review status: criteria provided, single submitter. Criteria: GeneDx Variant Classification Process June 2021. Collection method: clinical testing. Allele origin: germline. Affected: yes.
Comment: Identified in multiple patients with homocystinuria in the published literature (Gordon et al., 1998; Alcaide et al., 2015; Poloni et al., 2018; Li et al., 2018); Canonical splice site variant predicted to result in a null allele in a gene for which loss of function is a known mechanism of disease; Not observed at significant frequency in large population cohorts (gnomAD); This variant is associated with the following publications: (PMID: 25525159, 29352562, 10215408, 29508359, 25218699, 12815602, 12124992)

PreventionGenetics, part of Exact Sciences
Classification: Likely pathogenic for CBS-related condition. Last evaluated: 2023-03-06. Review status: criteria provided, single submitter. Criteria: ACMG Guidelines, 2015. Collection method: clinical testing. Allele origin: germline.
Comment: The CBS c.209+1G>A variant is predicted to disrupt the GT donor site and interfere with normal splicing. This variant has been reported in patients with autosomal recessive CBS-related homocystinuria (Gordon et al. 1997. PubMed ID: 10215408; Li et al. 2018. PubMed ID: 29508359). This variant is reported in 0.00089% of alleles in individuals of European (Non-Finnish) descent in gnomAD. Variants that disrupt the consensus splice donor site in CBS are expected to be pathogenic. This variant is interpreted as likely pathogenic.

Baylor Genetics
Classification: Pathogenic for Classic homocystinuria. Last evaluated: 2023-01-15. Review status: criteria provided, single submitter. Criteria: ACMG Guidelines, 2015. Collection method: clinical testing. Allele origin: unknown.

Blueprint Genetics
Classification: Pathogenic for CBS-related disorders. Last evaluated: 2022-05-23. Review status: criteria provided, single submitter. Criteria: ACMG Guidelines, 2015. Collection method: clinical testing. Allele origin: germline. Affected: yes. Observed: 1 variant allele.

Revvity Omics, Revvity
Classification: Pathogenic for Classic homocystinuria. Last evaluated: 2022-03-02. Review status: criteria provided, single submitter. Criteria: ACMG Guidelines, 2015. Collection method: clinical testing. Allele origin: germline.

Myriad Genetics, Inc.
Classification: Pathogenic for Classic homocystinuria. Last evaluated: 2021-11-18. Review status: criteria provided, single submitter. Criteria: Myriad Women's Health Autosomal Recessive and X-Linked Classification Criteria (2021). Collection method: clinical testing. Allele origin: unknown.
Comment: NM_000071.2(CBS):c.209+1G>A is a canonical splice variant classified as pathogenic in the context of homocystinuria, CBS-related. c.209+1G>A has been observed in cases with relevant disease (PMID: 12815602, 12124992, 29508359). Functional assessments of this variant are available in the literature (PMID: 29508359). c.209+1G>A has been observed in population frequency databases (gnomAD: NFE <0.001%). In summary, NM_000071.2(CBS):c.209+1G>A is a canonical splice variant in a gene where loss of function is a known mechanism of disease, is predicted to disrupt protein function, and has been observed more frequently in cases with the relevant disease than in healthy populations. Please note: this variant was assessed in the context of healthy population screening.

Women's Health and Genetics/Laboratory Corporation of America, LabCorp
Classification: Pathogenic for Homocystinuria. Last evaluated: 2018-09-10. Review status: criteria provided, single submitter. Criteria: LabCorp Variant Classification Summary - May 2015. Collection method: clinical testing. Allele origin: germline.
Comment: Variant summary: CBS c.209+1G>A is located in a canonical splice-site and is predicted to affect mRNA splicing resulting in a significantly altered protein due to either exon skipping, shortening, or inclusion of intronic material. Several computational tools predict a significant impact on normal splicing: Five predict the variant abolishes a 5' splicing donor site. However, these predictions have yet to be confirmed by functional studies. The variant allele was found at a frequency of 4.1e-06 in 244714 control chromosomes (gnomAD). c.209+1G>A has been reported in the literature in individuals affected with Homocystinuria (Alcaide_2015, Li_2018, Poloni_2017). These data indicate that the variant is likely to be associated with disease. At least one publication reports experimental evidence evaluating an impact on protein function. The most pronounced variant effect results in <10% of normal activity. No clinical diagnostic laboratories have submitted clinical-significance assessments for this variant to ClinVar after 2014. Based on the evidence outlined above, the variant was classified as pathogenic.

Literature cited by the submitters: PubMed 16199547 (cited by Labcorp Genetics (formerly Invitae), Labcorp); PubMed 10338090 (cited by Labcorp Genetics (formerly Invitae), Labcorp); PubMed 12124992 (cited by 3 submitters); PubMed 10215408 (cited by Labcorp Genetics (formerly Invitae), Labcorp); PubMed 29508359 (cited by 3 submitters); PubMed 25218699 (cited by Natera, Inc. and Women's Health and Genetics/Laboratory Corporation of America, LabCorp); PubMed 12815602 (cited by Natera, Inc. and Myriad Genetics, Inc.).